The following is an entry in ClinVar:

ClinVar aggregate classification (germline): Likely benign (0 of 4 stars; one submission).

Conditions:
PLXNA1-related disorder. Also called: PLXNA1-related condition.

gnomAD v4.1: 13 of 1,611,870 alleles (0.00081%); highest among the groups gnomAD compares: African/African-American, 0.017%; no homozygotes.

Submission:

PreventionGenetics, part of Exact Sciences
Classification: Likely benign for PLXNA1-related condition. Last evaluated: 2022-02-09. Review status: no assertion criteria provided. Collection method: clinical testing. Allele origin: germline.
Comment: This variant is classified as likely benign based on ACMG/AMP sequence variant interpretation guidelines (Richards et al. 2015 PMID: 25741868, with internal and published modifications).

NM_032242.4(PLXNA1):c.2113-6C>G

Gene: PLXNA1 (plexin A1; plus strand). Cytogenetic location: 3q21.3.
Variant type: single nucleotide variant.
Coding change: c.2113-6C>G on transcript NM_032242.4 (MANE Select); 6 bases into the intron before coding-DNA position 2113, C replaced by G.
Molecular consequence: intron variant.
Genome position (GRCh38, 1-based): chr3:127,011,952, C>G. VCF-style: chr3-127011952-C-G. GRCh37 (hg19) VCF-style: chr3-126730795-C-G.
Identifiers: ClinVar variation 3355667 (VCV003355667.1).